The following is an entry in ClinVar:

ClinVar aggregate classification (germline): Likely benign. Review status: criteria provided, single submitter (1 of 4 stars). 2 submissions from 2 submitters: Likely benign (1). 1 of the submissions does not count toward it. Last evaluated 2026-01-25.

Conditions:
DNAH8-related disorder. Also called: DNAH8-related condition.
Primary ciliary dyskinesia. Also called: Ciliary dyskinesia. Identifiers: Orphanet 244, MedGen C0008780, MONDO:0016575, HP:0012265.

Allele frequency attached by ClinVar (database versions not stated): gnomAD 0.00009 and 0.00008; gnomAD exomes 0.00009 and 0.00015; ExAC 0.00014; TOPMed 0.00014; ESP Exome Variant Server 0.00031.
gnomAD v4.1: 152 of 1,608,346 alleles (0.0095%); highest among the groups gnomAD compares: East Asian, 0.022%; no homozygotes.

Submissions (2):

Labcorp Genetics (formerly Invitae), Labcorp
Classification: Likely benign for Primary ciliary dyskinesia. Last evaluated: 2026-01-25. Review status: criteria provided, single submitter. Criteria: Invitae Variant Classification Sherloc (09022015). Collection method: clinical testing. Allele origin: germline.

PreventionGenetics, part of Exact Sciences
Classification: Likely benign for DNAH8-related condition. Last evaluated: 2019-09-26. Review status: no assertion criteria provided. Collection method: clinical testing. Allele origin: germline. Not counted in ClinVar's aggregate classification.
Comment: This variant is classified as likely benign based on ACMG/AMP sequence variant interpretation guidelines (Richards et al. 2015 PMID: 25741868, with internal and published modifications).

NM_001206927.2(DNAH8):c.2946G>A (p.Lys982=)

Gene: DNAH8 (dynein axonemal heavy chain 8; plus strand). Cytogenetic location: 6p21.2.
Variant type: single nucleotide variant.
Coding change: c.2946G>A on transcript NM_001206927.2 (MANE Select); coding-DNA position 2946, G replaced by A.
Protein change: p.Lys982=; no amino-acid change (lysine 982 retained).
Molecular consequence: synonymous variant.
Genome position (GRCh38, 1-based): chr6:38,803,223, G>A. VCF-style: chr6-38803223-G-A. GRCh37 (hg19) VCF-style: chr6-38770999-G-A.
Other names: c.2295G>A, p.Lys765= (NM_001371.4).
Identifiers: ClinVar variation 695683 (VCV000695683.10), dbSNP rs146331687, ClinGen allele CA3788677.
Genomic context (GRCh38, chr6:38,803,223, plus strand): 5'-TTTCTTTATTTAACAGACATACACAAAAGAATGGGCTGACATTCTAAACCACAAAAGTAA[G>A]CATGTGGAAGAAGCTGTCAGAGAACTTATATCAATATTTGAGCAGATTTATGAAGTGAAA-3'
Protein context (NP_001193856.1, residues 972-992): EWADILNHKS[Lys982=]HVEEAVRELI